The following is an entry in ClinVar:

ClinVar aggregate classification (germline): Likely pathogenic (1 of 4 stars; one submission).

Submission:

Labcorp Genetics (formerly Invitae), Labcorp
Classification: Likely pathogenic. Last evaluated: 2019-07-18. Review status: criteria provided, single submitter. Criteria: Invitae Variant Classification Sherloc (09022015). Collection method: clinical testing. Allele origin: germline.
Comment: In summary, the currently available evidence indicates that the variant is pathogenic, but additional data are needed to prove that conclusively. Therefore, this variant has been classified as Likely Pathogenic. Deletion of this region has been observed in individual(s) with suspected retinal disease (PMID: 28378820, Invitae). In at least one individual the data is consistent with the variant being in trans (on the opposite chromosome) from a pathogenic variant. This variant is also known as a deletion of exons 16-18 in the literature. This variant is an in-frame deletion of the genomic region encompassing exons 14-16 of the PROM1 gene. It preserves the integrity of the reading frame.

Literature cited by the submitters: PubMed 28378820.

NC_000004.12:g.(?_15992248)_(15998488_?)del

Gene: PROM1 (prominin 1; minus strand). Cytogenetic location: 4p15.32.
Variant type: Deletion.
Identifiers: ClinVar variation 831702 (VCV000831702.3).